The following is an entry in ClinVar:

ClinVar aggregate classification (germline): Conflicting classifications of pathogenicity. Review status: criteria provided, conflicting classifications (1 of 4 stars). 5 submissions from 4 submitters: Uncertain significance (2); Likely benign (3). Last evaluated 2025-10-26.

Conditions:
Catecholaminergic polymorphic ventricular tachycardia (CVPT). Also called: Catecholamine-induced polymorphic ventricular tachycardia. Identifiers: Orphanet 3286, MedGen C5574922, MONDO:0017990.
Cardiomyopathy (CMYO). Also called: Cardiomyopathies. Identifiers: Orphanet 167848, MedGen C0878544, MONDO:0004994, HP:0001638. Inheritance: Various modes of inheritance.
Catecholaminergic polymorphic ventricular tachycardia 1. Also called: VENTRICULAR TACHYCARDIA, STRESS-INDUCED POLYMORPHIC 1; VENTRICULAR TACHYCARDIA, CATECHOLAMINERGIC POLYMORPHIC, 1, WITH OR WITHOUT ATRIAL DYSFUNCTION AND/OR DILATED CARDIOMYOPATHY; RYR2-Related Catecholaminergic Polymorphic Ventricular Tachycardia. Identifiers: Orphanet 3286, MedGen C1631597, MONDO:0011484, OMIM 604772.
Arrhythmogenic right ventricular dysplasia 2. Identifiers: MedGen C1832931.

Allele frequency attached by ClinVar (database versions not stated): TOPMed below 0.00001.
gnomAD v4.1: 7 of 1,510,942 alleles (0.00046%); highest among the groups gnomAD compares: Non-Finnish European, 0.00063%; no homozygotes.

Submissions (5):

Labcorp Genetics (formerly Invitae), Labcorp
Classification: Likely benign for Catecholaminergic polymorphic ventricular tachycardia 1. Last evaluated: 2025-10-26. Review status: criteria provided, single submitter. Criteria: Invitae Variant Classification Sherloc (09022015). Collection method: clinical testing. Allele origin: germline.

All of Us Research Program, National Institutes of Health
Classification: Likely benign for Catecholaminergic polymorphic ventricular tachycardia. Last evaluated: 2023-08-15. Review status: criteria provided, single submitter. Criteria: ACMG Guidelines, 2015. Collection method: clinical testing. Allele origin: germline. Inheritance: Autosomal dominant inheritance. Observed: 1 variant allele, 1 heterozygote.
Comment: This study involves interpretation of variants in research participants for the purpose of population health screening. Participant phenotype was not available at the time of variant classification. Additional details can be found in publication PMID: 35346344, PMCID: PMC8962531

Color Diagnostics, LLC DBA Color Health
Classification: Likely benign for Cardiomyopathy. Last evaluated: 2023-02-14. Review status: criteria provided, single submitter. Criteria: ACMG Guidelines, 2015. Collection method: clinical testing. Allele origin: germline.

Illumina Laboratory Services, Illumina
Classification: Uncertain significance for Catecholaminergic polymorphic ventricular tachycardia 1. Last evaluated: 2018-01-12. Review status: criteria provided, single submitter. Criteria: ICSL Variant Classification Criteria 13 December 2019. Collection method: clinical testing. Allele origin: germline.

Illumina Laboratory Services, Illumina
Classification: Uncertain significance for Catecholaminergic polymorphic ventricular tachycardia 1. Last evaluated: 2018-01-12. Review status: criteria provided, single submitter. Criteria: ICSL Variant Classification Criteria 13 December 2019. Collection method: clinical testing. Allele origin: germline.

NM_001035.3(RYR2):c.9129-7T>C

Gene: RYR2 (ryanodine receptor 2; plus strand). Cytogenetic location: 1q43.
Variant type: single nucleotide variant.
Coding change: c.9129-7T>C on transcript NM_001035.3 (MANE Select); 7 bases into the intron before coding-DNA position 9129, T replaced by C.
Molecular consequence: intron variant.
Genome position (GRCh38, 1-based): chr1:237,700,222, T>C. VCF-style: chr1-237700222-T-C. GRCh37 (hg19) VCF-style: chr1-237863522-T-C.
Other names: c.9129-7T>C (LRG_402t1).
Identifiers: ClinVar variation 463650 (VCV000463650.16), dbSNP rs1466669135, ClinGen allele CA658656996.
Genomic context (GRCh38, chr1:237,700,222, plus strand): 5'-CCACAATTCATTTATATTTCATTTGTTCCTGTTGGAAGATACGAGTCCTCCCTTATTTAC[T>C]TTCTAGGACAGTGATGAAGACTGGCCTGGAGAGTGTTAAAAGTGCACTCAGAGCTTTTCT-3'